The following is an entry in ClinVar:

NM_000273.3(GPR143):c.985T>C (p.Trp329Arg)

Gene: GPR143 (G protein-coupled receptor 143; minus strand). Cytogenetic location: Xp22.2.
Variant type: single nucleotide variant.
Coding change: c.985T>C on transcript NM_000273.3 (MANE Select); coding-DNA position 985, T replaced by C.
Protein change: p.Trp329Arg; replaces tryptophan 329 with arginine.
Molecular consequence: missense variant.
Genome position (GRCh38, 1-based): chrX:9,739,620, A>G on the plus strand (T>C on the coding strand, the complement: GPR143 is on the minus strand). VCF-style: chrX-9739620-A-G. GRCh37 (hg19) VCF-style: chrX-9707660-A-G.
Other names: c.985T>C, p.Trp329Arg (NM_001440781.1); short protein forms W329R.
Identifiers: ClinVar variation 4621063 (VCV004621063.2).

ClinVar aggregate classification (germline): Uncertain significance. Review status: criteria provided, multiple submitters, no conflicts (2 of 4 stars). 2 submissions from 2 submitters: Uncertain significance (2). Last evaluated 2025-11-24.

Conditions:
Inborn genetic diseases. Identifiers: MedGen C0950123, MeSH D030342.

Submissions (2):

Ambry Genetics
Classification: Uncertain significance for Inborn genetic diseases. Last evaluated: 2025-11-24. Review status: criteria provided, single submitter. Criteria: Ambry Variant Classification Scheme 2023. Collection method: clinical testing. Allele origin: germline.

Labcorp Genetics (formerly Invitae), Labcorp
Classification: Uncertain significance. Last evaluated: 2025-03-24. Review status: criteria provided, single submitter. Criteria: Invitae Variant Classification Sherloc (09022015). Collection method: clinical testing. Allele origin: germline.
Comment: This sequence change replaces tryptophan, which is neutral and slightly polar, with arginine, which is basic and polar, at codon 329 of the GPR143 protein (p.Trp329Arg). This variant is not present in population databases (gnomAD no frequency). This variant has not been reported in the literature in individuals affected with GPR143-related conditions. Invitae Evidence Modeling of protein sequence and biophysical properties (such as structural, functional, and spatial information, amino acid conservation, physicochemical variation, residue mobility, and thermodynamic stability) has been performed for this missense variant. However, the output from this modeling did not meet the statistical confidence thresholds required to predict the impact of this variant on GPR143 protein function. In summary, the available evidence is currently insufficient to determine the role of this variant in disease. Therefore, it has been classified as a Variant of Uncertain Significance.